The following is an entry in ClinVar:

NM_000051.4(ATM):c.4201T>C (p.Leu1401=)

Gene: ATM (ATM serine/threonine kinase; plus strand). Cytogenetic location: 11q22.3.
Variant type: single nucleotide variant.
Coding change: c.4201T>C on transcript NM_000051.4 (MANE Select); coding-DNA position 4201, T replaced by C.
Protein change: p.Leu1401=; no amino-acid change (leucine 1401 retained).
Molecular consequence: synonymous variant.
Genome position (GRCh38, 1-based): chr11:108,289,068, T>C. VCF-style: chr11-108289068-T-C. GRCh37 (hg19) VCF-style: chr11-108159795-T-C.
Other names: c.4201T>C, p.Leu1401= (NM_001351834.2).
Identifiers: ClinVar variation 3253752 (VCV003253752.1), dbSNP rs587779838.
Genomic context (GRCh38, chr11:108,289,068, plus strand): 5'-TTTCCATCGCATGTGATTAAAGCAACATTTGCCTATATCAGCAATTGTCATAAAACCAAG[T>C]TAAAAAGCATTTTAGAAATTCTTTCCAAAAGCCCTGTAAGTATACATGATGAGTTTAATA-3'
Protein context (NP_000042.3, residues 1391-1411): AYISNCHKTK[Leu1401=]KSILEILSKS

ClinVar aggregate classification (germline): Benign (1 of 4 stars; one submission).

Conditions:
Familial cancer of breast. Also called: BREAST CANCER, FAMILIAL; Hereditary breast cancer; hereditary breast carcinoma. Identifiers: Orphanet 227535, MedGen C0346153, MONDO:0016419, OMIM 114480. Disease mechanism: loss of function.

Submission:

Myriad Genetics, Inc.
Classification: Benign for Familial cancer of breast. Last evaluated: 2024-05-16. Review status: criteria provided, single submitter. Criteria: Myriad Autosomal Dominant, Autosomal Recessive and X-Linked Classification Criteria (2023). Collection method: clinical testing. Allele origin: unknown.
Comment: This variant is considered benign. This variant is a silent/synonymous amino acid change and it is not expected to impact splicing.